The following is an entry in ClinVar:

ClinVar aggregate classification (germline): Conflicting classifications of pathogenicity. Review status: criteria provided, conflicting classifications (1 of 4 stars). 9 submissions from 9 submitters: Uncertain significance (1); Benign (1); Likely benign (4). 3 of the submissions do not count toward it. Last evaluated 2026-01-25.

Conditions:
Acrocallosal syndrome (ACLS). Also called: HALLUX DUPLICATION, POSTAXIAL POLYDACTYLY, AND ABSENCE OF CORPUS CALLOSUM; Schinzel syndrome 1; Absence of corpus callosum with unusual facial appearance, mental deficiency, duplication of the halluces and polydactyly. Identifiers: Orphanet 36, MedGen C0796147, MONDO:0008708, OMIM 200990.

Allele frequency attached by ClinVar (database versions not stated): 1000 Genomes Project 0.00080; 1000 Genomes Project 30x 0.00109; ESP Exome Variant Server 0.00147; ExAC 0.00160; gnomAD exomes 0.00205; TOPMed 0.00229; gnomAD 0.00233 and 0.00262.
gnomAD v4.1: 5,753 of 1,579,596 alleles (0.36%); highest among the groups gnomAD compares: Non-Finnish European, 0.45%; 16 homozygotes.

Submissions (9):

Labcorp Genetics (formerly Invitae), Labcorp
Classification: Benign for Acrocallosal syndrome. Last evaluated: 2026-01-25. Review status: criteria provided, single submitter. Criteria: Invitae Variant Classification Sherloc (09022015). Collection method: clinical testing. Allele origin: germline.

CeGaT Center for Human Genetics Tuebingen
Classification: Likely benign. Last evaluated: 2025-11-01. Review status: criteria provided, single submitter. Criteria: CeGaT Center For Human Genetics Tuebingen Variant Classification Criteria Version 2. Collection method: clinical testing. Allele origin: germline. Affected: yes. Observed: 7 variant alleles.
Comment: KIF7: BS2

Blueprint Genetics
Classification: Likely benign. Last evaluated: 2024-11-26. Review status: criteria provided, single submitter. Criteria: ACMG Guidelines, 2015. Collection method: clinical testing. Allele origin: germline.

GeneDx
Classification: Likely benign. Last evaluated: 2020-05-13. Review status: criteria provided, single submitter. Criteria: GeneDx Variant Classification Process June 2021. Collection method: clinical testing. Allele origin: germline. Affected: yes.

Illumina Laboratory Services, Illumina
Classification: Uncertain significance for Acrocallosal syndrome. Last evaluated: 2018-01-12. Review status: criteria provided, single submitter. Criteria: ICSL Variant Classification Criteria 13 December 2019. Collection method: clinical testing. Allele origin: germline.

PreventionGenetics, part of Exact Sciences
Classification: Likely benign. Review status: criteria provided, single submitter. Criteria: ACMG Guidelines, 2015. Collection method: clinical testing. Allele origin: germline.

Clinical Genetics DNA and cytogenetics Diagnostics Lab, Erasmus MC, Erasmus Medical Center
Classification: Benign. Review status: no assertion criteria provided. Collection method: clinical testing. Allele origin: germline. Affected: yes. Study: VKGL Data-share Consensus. Not counted in ClinVar's aggregate classification.

Clinical Genetics, Academic Medical Center
Classification: Likely benign. Review status: no assertion criteria provided. Collection method: clinical testing. Allele origin: germline. Affected: yes. Study: VKGL Data-share Consensus. Not counted in ClinVar's aggregate classification.

Genome Diagnostics Laboratory, University Medical Center Utrecht
Classification: Likely benign. Review status: no assertion criteria provided. Collection method: clinical testing. Allele origin: germline. Affected: yes. Study: VKGL Data-share Consensus. Not counted in ClinVar's aggregate classification.

NM_198525.3(KIF7):c.2192-13C>T

Gene: KIF7 (kinesin family member 7; minus strand). Cytogenetic location: 15q26.1.
Variant type: single nucleotide variant.
Coding change: c.2192-13C>T on transcript NM_198525.3 (MANE Select); 13 bases into the intron before coding-DNA position 2192, C replaced by T.
Molecular consequence: intron variant.
Genome position (GRCh38, 1-based): chr15:89,642,418, G>A on the plus strand (C>T on the coding strand, the complement: KIF7 is on the minus strand). VCF-style: chr15-89642418-G-A. GRCh37 (hg19) VCF-style: chr15-90185649-G-A.
Identifiers: ClinVar variation 263141 (VCV000263141.43), dbSNP rs201251064, ClinGen allele CA7728276.